The following is an entry in ClinVar:

NM_000245.4(MET):c.3377C>G (p.Thr1126Ser)

Gene: MET (MET proto-oncogene, receptor tyrosine kinase; plus strand). Cytogenetic location: 7q31.2.
Variant type: single nucleotide variant.
Coding change: c.3377C>G on transcript NM_000245.4 (MANE Select); coding-DNA position 3377, C replaced by G.
Protein change: p.Thr1126Ser; replaces threonine 1126 with serine.
Molecular consequence: missense variant.
Genome position (GRCh38, 1-based): chr7:116,778,812, C>G. VCF-style: chr7-116778812-C-G. GRCh37 (hg19) VCF-style: chr7-116418866-C-G.
Other names: c.3431C>G, p.Thr1144Ser (NM_001127500.3); c.2087C>G, p.Thr696Ser (NM_001324402.2); short protein forms T1144S, T1126S, T696S.
Identifiers: ClinVar variation 1731380 (VCV001731380.7), dbSNP rs367634278, ClinGen allele CA368990019.
Genomic context (GRCh38, chr7:116,778,812, plus strand): 5'-TGTCTCCACCACTGGATTTCTCAGGAATCACTGACATAGGAGAAGTTTCCCAATTTCTGA[C>G]CGAGGGAATCATCATGAAAGATTTTAGTCATCCCAATGTCCTCTCGCTCCTGGGAATCTG-3'
Protein context (NP_000236.2, residues 1116-1136): TDIGEVSQFL[Thr1126Ser]EGIIMKDFSH

ClinVar aggregate classification (germline): Uncertain significance. Review status: criteria provided, multiple submitters, no conflicts (2 of 4 stars). 2 submissions from 2 submitters: Uncertain significance (2). Last evaluated 2024-10-26.

Conditions:
Hereditary cancer-predisposing syndrome. Also called: Neoplastic Syndromes, Hereditary; Tumor predisposition; Hereditary Cancer Syndrome; Hereditary neoplastic syndrome. Identifiers: Orphanet 140162, MedGen C0027672, MeSH D009386, MONDO:0015356.
Renal cell carcinoma. Identifiers: Orphanet 217071, MedGen C0007134, MeSH D002292, MONDO:0005086, HP:0005584.

gnomAD v4.1: 1 of 1,614,038 alleles (0.000062%); highest among the groups gnomAD compares: Non-Finnish European, 0.000085%; no homozygotes.

Submissions (2):

Ambry Genetics
Classification: Uncertain significance for Hereditary cancer-predisposing syndrome. Last evaluated: 2024-10-26. Review status: criteria provided, single submitter. Criteria: Ambry Variant Classification Scheme 2023. Collection method: clinical testing. Allele origin: germline.
Comment: The p.T1144S variant (also known as c.3431C>G), located in coding exon 16 of the MET gene, results from a C to G substitution at nucleotide position 3431. The threonine at codon 1144 is replaced by serine, an amino acid with similar properties. This amino acid position is not well conserved in available vertebrate species. In addition, this alteration is predicted to be tolerated by in silico analysis. Based on the available evidence, the clinical significance of this variant remains unclear.

Labcorp Genetics (formerly Invitae), Labcorp
Classification: Uncertain significance for Renal cell carcinoma. Last evaluated: 2024-10-23. Review status: criteria provided, single submitter. Criteria: Invitae Variant Classification Sherloc (09022015). Collection method: clinical testing. Allele origin: germline.
Comment: This sequence change replaces threonine, which is neutral and polar, with serine, which is neutral and polar, at codon 1144 of the MET protein (p.Thr1144Ser). This variant is not present in population databases (gnomAD no frequency). This variant has not been reported in the literature in individuals affected with MET-related conditions. ClinVar contains an entry for this variant (Variation ID: 1731380). Invitae Evidence Modeling of protein sequence and biophysical properties (such as structural, functional, and spatial information, amino acid conservation, physicochemical variation, residue mobility, and thermodynamic stability) indicates that this missense variant is not expected to disrupt MET protein function with a negative predictive value of 80%. In summary, the available evidence is currently insufficient to determine the role of this variant in disease. Therefore, it has been classified as a Variant of Uncertain Significance.